The following is an entry in ClinVar:

ClinVar aggregate classification (germline): Pathogenic. Review status: criteria provided, multiple submitters, no conflicts (2 of 4 stars). 2 submissions from 2 submitters: Pathogenic (2). Last evaluated 2022-01-03.

Conditions:
Mucopolysaccharidosis, MPS-IV-A (MPS4A). Also called: Mucopolysaccharidosis type IV A; Mucopolysaccharidosis Type IVA; Morquio syndrome A, mild; MORQUIO SYNDROME A; MPS IVA; mucopolysaccharidosis type 4A. Identifiers: Orphanet 309297, Orphanet 582, MedGen C0086651, MONDO:0009659, OMIM 253000.

Submissions (2):

3billion
Classification: Pathogenic for Mucopolysaccharidosis, MPS-IV-A. Last evaluated: 2022-01-03. Review status: criteria provided, single submitter. Criteria: ACMG Guidelines, 2015. Collection method: clinical testing. Allele origin: germline. Affected: yes. Observed: 1 heterozygote.
Comment: The variant has been reported to be associated with GALNS related disorder (ClinVar ID: VCV001075449). Frameshift: predicted to result in a loss or disruption of normal protein function through nonsense-mediated decay (NMD) or protein truncation. Multiple pathogenic variants are reported downstream of the variant (PVS1_VS). It is not observed in the gnomAD v2.1.1 dataset (PM2_M). Therefore, this variant is classified as pathogenic according to the recommendation of ACMG/AMP guideline.

Labcorp Genetics (formerly Invitae), Labcorp
Classification: Pathogenic for Mucopolysaccharidosis, MPS-IV-A. Last evaluated: 2020-03-08. Review status: criteria provided, single submitter. Criteria: Invitae Variant Classification Sherloc (09022015). Collection method: clinical testing. Allele origin: germline.
Comment: This sequence change creates a premature translational stop signal (p.Val239Thrfs*25) in the GALNS gene. It is expected to result in an absent or disrupted protein product. This variant is not present in population databases (ExAC no frequency). This variant has not been reported in the literature in individuals with GALNS-related conditions. Loss-of-function variants in GALNS are known to be pathogenic (PMID: 12442278). For these reasons, this variant has been classified as Pathogenic.

Literature cited by the submitters: PubMed 12442278 (cited by Labcorp Genetics (formerly Invitae), Labcorp).

NM_000512.5(GALNS):c.711_714dup (p.Val239fs)

Gene: GALNS (galactosamine (N-acetyl)-6-sulfatase; minus strand). Cytogenetic location: 16q24.3.
Variant type: Duplication.
Coding change: c.711_714dup on transcript NM_000512.5 (MANE Select); coding-DNA positions 711 to 714, 4 bases duplicated (ACCC; older notation c.711_714dupACCC).
Protein change: p.Val239fs; shifts the reading frame from valine 239.
Molecular consequence: frameshift variant.
Genome position (GRCh38, 1-based): chr16:88,835,769-88,835,772, GGGT duplicated on the plus strand (ACCC on the coding strand, the reverse complement: GALNS is on the minus strand); duplicating any 4 consecutive bases within chr16:88,835,769-88,835,773 gives the same sequence; the c. name uses the placement nearest the transcript's 3' end. VCF-style (leftmost placement, unchanged base first): chr16-88835768-C-CGGGT. GRCh37 (hg19) VCF-style: chr16-88902176-C-CGGGT.
Other names: c.156_159dup, p.Val54fs (NM_001323543.2); c.729_732dup, p.Val245fs (NM_001323544.2); short protein forms V239fs, V245fs, V54fs.
Identifiers: ClinVar variation 1075449 (VCV001075449.3), dbSNP rs2143001391, ClinGen allele CA2499223754.
Genomic context (GRCh38, chr16:88,835,768, plus strand): 5'-ATGGAGCCAGGACTCACCGCCCTCGCTGACTGGTGCCCAAGAAGGGTTTGGAGGCATAGA[C>CGGGT]GGGTGCGTGCGTGGCGTCGACAGCCCAGTAGAGGAAAAAGGGGTGGTGCCGTGCCTGTCT-3'